The following is an entry in ClinVar:

NM_000203.5(IDUA):c.1337C>A (p.Thr446Asn)

Gene: IDUA (alpha-L-iduronidase; plus strand). Cytogenetic location: 4p16.3.
Variant type: single nucleotide variant.
Coding change: c.1337C>A on transcript NM_000203.5 (MANE Select); coding-DNA position 1337, C replaced by A.
Protein change: p.Thr446Asn; replaces threonine 446 with asparagine.
Molecular consequence: missense variant. On other transcripts: non-coding transcript variant (1).
Genome position (GRCh38, 1-based): chr4:1,002,879, C>A. VCF-style: chr4-1002879-C-A. GRCh37 (hg19) VCF-style: chr4-996667-C-A.
Other names: c.941C>A, p.Thr314Asn (NM_001363576.1); short protein forms T314N, T446N.
Identifiers: ClinVar variation 2432764 (VCV002432764.5), dbSNP rs1295530132, ClinGen allele CA355964064.

ClinVar aggregate classification (germline): Uncertain significance. Review status: criteria provided, multiple submitters, no conflicts (2 of 4 stars). 2 submissions from 2 submitters: Uncertain significance (2). Last evaluated 2024-04-08.

Conditions:
Mucopolysaccharidosis type 1. Also called: IDUA deficiency; MPS I; Mucopolysaccharidosis Type I. Identifiers: Orphanet 579, MedGen C0023786, MONDO:0001586.

gnomAD v4.1: 4 of 1,435,210 alleles (0.00028%); highest among the groups gnomAD compares: African/African-American, 0.0015%; no homozygotes.

Submissions (2):

Labcorp Genetics (formerly Invitae), Labcorp
Classification: Uncertain significance for Mucopolysaccharidosis type 1. Last evaluated: 2024-04-08. Review status: criteria provided, single submitter. Criteria: Invitae Variant Classification Sherloc (09022015). Collection method: clinical testing. Allele origin: germline.
Comment: This sequence change replaces threonine, which is neutral and polar, with asparagine, which is neutral and polar, at codon 446 of the IDUA protein (p.Thr446Asn). The frequency data for this variant in the population databases is considered unreliable, as metrics indicate poor data quality at this position in the gnomAD database. This variant has not been reported in the literature in individuals affected with IDUA-related conditions. ClinVar contains an entry for this variant (Variation ID: 2432764). Advanced modeling of protein sequence and biophysical properties (such as structural, functional, and spatial information, amino acid conservation, physicochemical variation, residue mobility, and thermodynamic stability) performed at Invitae indicates that this missense variant is not expected to disrupt IDUA protein function with a negative predictive value of 95%. In summary, the available evidence is currently insufficient to determine the role of this variant in disease. Therefore, it has been classified as a Variant of Uncertain Significance.

Revvity Omics, Revvity
Classification: Uncertain significance. Last evaluated: 2020-12-31. Review status: criteria provided, single submitter. Criteria: ACMG Guidelines, 2015. Collection method: clinical testing. Allele origin: germline.